The following is an entry in ClinVar:

NM_005732.4(RAD50):c.886-4_890delinsCAAATAAA

Gene: RAD50 (RAD50 double strand break repair protein; plus strand). Cytogenetic location: 5q31.1.
Variant type: Indel.
Coding change: c.886-4_890delinsCAAATAAA on transcript NM_005732.4 (MANE Select); 4 bases into the intron before coding-DNA position 886 through coding-DNA position 890, ACAGGTTTT replaced by CAAATAAA.
Molecular consequence: splice acceptor variant.
Genome position (GRCh38, 1-based): chr5:132,587,920-132,587,928, ACAGGTTTT replaced by CAAATAAA. VCF-style: chr5-132587920-ACAGGTTTT-CAAATAAA. GRCh37 (hg19) VCF-style: chr5-131923612-ACAGGTTTT-CAAATAAA.
Identifiers: ClinVar variation 484655 (VCV000484655.5), dbSNP rs1554098191, ClinGen allele CA658657502.

ClinVar aggregate classification (germline): Likely pathogenic (1 of 4 stars; one submission).

Conditions:
Hereditary cancer-predisposing syndrome. Also called: Neoplastic Syndromes, Hereditary; Tumor predisposition; Hereditary Cancer Syndrome; Hereditary neoplastic syndrome. Identifiers: Orphanet 140162, MedGen C0027672, MeSH D009386, MONDO:0015356.

Submission:

Ambry Genetics
Classification: Likely pathogenic for Hereditary cancer-predisposing syndrome. Last evaluated: 2016-06-22. Review status: criteria provided, single submitter. Criteria: Ambry Variant Classification Scheme 2023. Collection method: clinical testing. Allele origin: germline.
Comment: The c.886-4_890delACAGGTTTTinsCAAATAAA intronic variant spans the splice acceptor site for coding exon 7 of the RAD50 gene and results from the deletion of 9 nucleotides and insertion of 8 nucleotides. This variant was not reported in population-based cohorts in the following databases: Database of Single Nucleotide Polymorphisms (dbSNP), NHLBI Exome Sequencing Project (ESP) and 1000 Genomes Project. To date, this alteration has been detected with an allele frequency of approximately 0.001% (greater than 175000 alleles tested) in our clinical cohort. Using the BDGP and ESEfinder splice site prediction tools, this alteration is predicted to abolish the native splice acceptor site; however, direct evidence is unavailable. Alterations that disrupt the canonical splice acceptor site are typically deleterious in nature (ACMG Recommendations for Standards for Interpretation and Reporting of Sequence Variations. Revision 2007. Genet Med. 2008;10:294). As such, the c.886-4_890delACAGGTTTTinsCAAATAAA variant is classified as likely pathogenic.